The following is an entry in ClinVar:

ClinVar aggregate classification (germline): Uncertain significance (1 of 4 stars; one submission).

Conditions:
Inborn genetic diseases. Identifiers: MedGen C0950123, MeSH D030342.

Submission:

Ambry Genetics
Classification: Uncertain significance for Inborn genetic diseases. Last evaluated: 2023-04-16. Review status: criteria provided, single submitter. Criteria: Ambry Variant Classification Scheme 2023. Collection method: clinical testing. Allele origin: germline.
Comment: The p.H1030Y variant (also known as c.3088C>T), located in coding exon 23 of the BUB1B gene, results from a C to T substitution at nucleotide position 3088. The histidine at codon 1030 is replaced by tyrosine, an amino acid with similar properties. This amino acid position is conserved. In addition, this alteration is predicted to be tolerated by in silico analysis. Since supporting evidence is limited at this time, the clinical significance of this alteration remains unclear.

NM_001211.6(BUB1B):c.3088C>T (p.His1030Tyr)

Genes: BUB1B (BUB1 mitotic checkpoint serine/threonine kinase B; plus strand), BUB1B-PAK6 (BUB1B-PAK6 readthrough; plus strand). Cytogenetic location: 15q15.1.
Variant type: single nucleotide variant.
Coding change: c.3088C>T on transcript NM_001211.6 (MANE Select); coding-DNA position 3088, C replaced by T.
Protein change: p.His1030Tyr; replaces histidine 1030 with tyrosine.
Molecular consequence: missense variant. On other transcripts: intron variant (2).
Genome position (GRCh38, 1-based): chr15:40,220,694, C>T. VCF-style: chr15-40220694-C-T. GRCh37 (hg19) VCF-style: chr15-40512895-C-T.
Other names: c.-201+3027C>T (NM_001128628.3); c.-118+3027C>T (NM_001128629.3); short protein forms H1030Y.
Identifiers: ClinVar variation 2562091 (VCV002562091.2), dbSNP rs2542594248, ClinGen allele CA391690233.